The following is an entry in ClinVar:

ClinVar aggregate classification (germline): Uncertain significance (1 of 4 stars; one submission).

Allele frequency attached by ClinVar (database versions not stated): 1000 Genomes Project 0.00020; gnomAD 0.00001; 1000 Genomes Project 30x 0.00016; ExAC 0.00001.

Submission:

Labcorp Genetics (formerly Invitae), Labcorp
Classification: Uncertain significance. Last evaluated: 2025-03-30. Review status: criteria provided, single submitter. Criteria: Invitae Variant Classification Sherloc (09022015). Collection method: clinical testing. Allele origin: germline.
Comment: This sequence change replaces arginine, which is basic and polar, with lysine, which is basic and polar, at codon 449 of the TNNI3K protein (p.Arg449Lys). This variant is present in population databases (rs187313360, gnomAD 0.007%). This variant has not been reported in the literature in individuals affected with TNNI3K-related conditions. ClinVar contains an entry for this variant (Variation ID: 2735685). Invitae Evidence Modeling of protein sequence and biophysical properties (such as structural, functional, and spatial information, amino acid conservation, physicochemical variation, residue mobility, and thermodynamic stability) indicates that this missense variant is not expected to disrupt TNNI3K protein function with a negative predictive value of 80%. In summary, the available evidence is currently insufficient to determine the role of this variant in disease. Therefore, it has been classified as a Variant of Uncertain Significance.

NM_015978.3(TNNI3K):c.1346G>A (p.Arg449Lys)

Genes: FPGT-TNNI3K (FPGT-TNNI3K readthrough; plus strand), TNNI3K (TNNI3 interacting kinase; plus strand). Cytogenetic location: 1p31.1.
Variant type: single nucleotide variant.
Coding change: c.1346G>A on transcript NM_015978.3 (MANE Select); coding-DNA position 1346, G replaced by A.
Protein change: p.Arg449Lys; replaces arginine 449 with lysine.
Molecular consequence: missense variant.
Genome position (GRCh38, 1-based): chr1:74,369,046, G>A. VCF-style: chr1-74369046-G-A. GRCh37 (hg19) VCF-style: chr1-74834730-G-A.
Other names: c.1649G>A, p.Arg550Lys (NM_001112808.3, NM_001199327.2); short protein forms R550K, R449K.
Identifiers: ClinVar variation 2735685 (VCV002735685.3), dbSNP rs187313360, ClinGen allele CA909261.